The following is an entry in ClinVar:

NM_001003800.2(BICD2):c.2372C>G (p.Ala791Gly)

Gene: BICD2 (BICD cargo adaptor 2; minus strand). Cytogenetic location: 9q22.31.
Variant type: single nucleotide variant.
Coding change: c.2372C>G on transcript NM_001003800.2 (MANE Select); coding-DNA position 2372, C replaced by G.
Protein change: p.Ala791Gly; replaces alanine 791 with glycine.
Molecular consequence: missense variant.
Genome position (GRCh38, 1-based): chr9:92,715,350, G>C on the plus strand (C>G on the coding strand, the complement: BICD2 is on the minus strand). VCF-style: chr9-92715350-G-C. GRCh37 (hg19) VCF-style: chr9-95477632-G-C.
Other names: c.2372C>G, p.Ala791Gly (NM_015250.4); short protein forms A791G.
Identifiers: ClinVar variation 2637043 (VCV002637043.2), dbSNP rs1853283714, ClinGen allele CA374030166.

ClinVar aggregate classification (germline): Uncertain significance (0 of 4 stars; one submission).

Conditions:
BICD2-related disorder. Also called: BICD2-related condition.

Submission:

PreventionGenetics, part of Exact Sciences
Classification: Uncertain significance for BICD2-related condition. Last evaluated: 2024-06-12. Review status: no assertion criteria provided. Collection method: clinical testing. Allele origin: germline.
Comment: The BICD2 c.2372C>G variant is predicted to result in the amino acid substitution p.Ala791Gly. To our knowledge, this variant has not been reported in the literature or in a large population database, indicating this variant is rare. Although we suspect that this variant may be pathogenic, at this time, the clinical significance of this variant is uncertain due to the absence of conclusive functional and genetic evidence.